The following is an entry in ClinVar:

NM_001374736.1(DST):c.20412T>C (p.Ala6804=)

Gene: DST (dystonin; minus strand). Cytogenetic location: 6p12.1.
Variant type: single nucleotide variant.
Coding change: c.20412T>C on transcript NM_001374736.1 (MANE Select); coding-DNA position 20412, T replaced by C.
Protein change: p.Ala6804=; no amino-acid change (alanine 6804 retained).
Molecular consequence: synonymous variant.
Genome position (GRCh38, 1-based): chr6:56,493,072, A>G on the plus strand (T>C on the coding strand, the complement: DST is on the minus strand). VCF-style: chr6-56493072-A-G. GRCh37 (hg19) VCF-style: chr6-56357870-A-G.
Other names: c.14055T>C, p.Ala4685= (NM_001144769.5); c.13641T>C, p.Ala4547= (NM_001144770.2); c.20412T>C, p.Ala6804= (NM_001374722.1); c.19452T>C, p.Ala6484= (NM_001374729.1); c.13194T>C, p.Ala4398= (NM_001374730.1); c.20439T>C, p.Ala6813= (NM_001374734.1); c.13521T>C, p.Ala4507= (NM_001386100.1, NM_183380.4); c.12543T>C, p.Ala4181= (NM_015548.5); and 1 more.
Identifiers: ClinVar variation 1083858 (VCV001083858.35), dbSNP rs146563577, ClinGen allele CA3866750.

ClinVar aggregate classification (germline): Likely benign. Review status: criteria provided, multiple submitters, no conflicts (2 of 4 stars). 4 submissions from 4 submitters: Likely benign (4). Last evaluated 2026-05-01.

Conditions:
DST-related disorder. Also called: DST-related condition; DST-related disorders.
Hereditary sensory and autonomic neuropathy type 6. Also called: Neuropathy, hereditary sensory and autonomic, type VI; HSAN VI. Identifiers: Orphanet 314381, MedGen C3539003, MONDO:0013839, OMIM 614653.
Epidermolysis bullosa simplex 3, localized or generalized intermediate, with BP230 deficiency (EBS3). Also called: Epidermolysis bullosa simplex due to BP230 deficiency; Epidermolysis bullosa simplex, autosomal recessive 2. Identifiers: Orphanet 412181, MedGen C3809470, MONDO:0014180, OMIM 615425.

Allele frequency attached by ClinVar (database versions not stated): gnomAD 0.00008; gnomAD exomes 0.00009 and 0.00011; TOPMed 0.00009; ExAC 0.00011; 1000 Genomes Project 30x 0.00016; ESP Exome Variant Server 0.00017; 1000 Genomes Project 0.00020.
gnomAD v4.1: 166 of 1,611,316 alleles (0.01%); highest among the groups gnomAD compares: Non-Finnish European, 0.013%; no homozygotes.

Submissions (4):

CeGaT Center for Human Genetics Tuebingen
Classification: Likely benign. Last evaluated: 2026-05-01. Review status: criteria provided, single submitter. Criteria: CeGaT Center For Human Genetics Tuebingen Variant Classification Criteria Version 2. Collection method: clinical testing. Allele origin: germline. Affected: yes. Observed: 2 variant alleles.
Comment: DST: BP4, BP7

Labcorp Genetics (formerly Invitae), Labcorp
Classification: Likely benign for Epidermolysis bullosa simplex 3, localized or generalized intermediate, with BP230 deficiency; Hereditary sensory and autonomic neuropathy type 6. Last evaluated: 2026-02-02. Review status: criteria provided, single submitter. Criteria: Invitae Variant Classification Sherloc (09022015). Collection method: clinical testing. Allele origin: germline.

PreventionGenetics, part of Exact Sciences
Classification: Likely benign for DST-related condition. Last evaluated: 2025-10-15. Review status: criteria provided, single submitter. Criteria: ACMG Guidelines, 2015. Collection method: clinical testing. Allele origin: germline.
Comment: This variant is classified as likely benign based on ACMG/AMP sequence variant interpretation guidelines (Richards et al. 2015 PMID: 25741868, with internal and published modifications).

Blueprint Genetics
Classification: Likely benign. Last evaluated: 2024-08-26. Review status: criteria provided, single submitter. Criteria: ACMG Guidelines, 2015. Collection method: clinical testing. Allele origin: germline.